The following is an entry in ClinVar:

NM_001958.5(EEF1A2):c.757G>A (p.Val253Met)

Gene: EEF1A2 (eukaryotic translation elongation factor 1 alpha 2; minus strand). Cytogenetic location: 20q13.33.
Variant type: single nucleotide variant.
Coding change: c.757G>A on transcript NM_001958.5 (MANE Select); coding-DNA position 757, G replaced by A.
Protein change: p.Val253Met; replaces valine 253 with methionine.
Molecular consequence: missense variant.
Genome position (GRCh38, 1-based): chr20:63,493,152, C>T on the plus strand (G>A on the coding strand, the complement: EEF1A2 is on the minus strand). VCF-style: chr20-63493152-C-T. GRCh37 (hg19) VCF-style: chr20-62124505-C-T.
Other names: short protein forms V253M.
Identifiers: ClinVar variation 2891467 (VCV002891467.3), dbSNP rs1422855545, ClinGen allele CA409648624.

ClinVar aggregate classification (germline): Uncertain significance (1 of 4 stars; one submission).

Conditions:
Developmental and epileptic encephalopathy, 33 (DEE33). Also called: Epileptic encephalopathy, early infantile, 33. Identifiers: Orphanet 442835, MedGen C4225337, MONDO:0014625, OMIM 616409.

Allele frequency attached by ClinVar (database versions not stated): TOPMed below 0.00001; gnomAD 0.00001; gnomAD exomes 0.00001.
gnomAD v4.1: 5 of 1,548,318 alleles (0.00032%); highest among the groups gnomAD compares: Admixed American, 0.0039%; no homozygotes.

Submission:

Labcorp Genetics (formerly Invitae), Labcorp
Classification: Uncertain significance for Developmental and epileptic encephalopathy, 33. Last evaluated: 2024-01-17. Review status: criteria provided, single submitter. Criteria: Invitae Variant Classification Sherloc (09022015). Collection method: clinical testing. Allele origin: germline.
Comment: This sequence change replaces valine, which is neutral and non-polar, with methionine, which is neutral and non-polar, at codon 253 of the EEF1A2 protein (p.Val253Met). The frequency data for this variant in the population databases is considered unreliable, as metrics indicate poor data quality at this position in the gnomAD database. This variant has not been reported in the literature in individuals affected with EEF1A2-related conditions. Advanced modeling of protein sequence and biophysical properties (such as structural, functional, and spatial information, amino acid conservation, physicochemical variation, residue mobility, and thermodynamic stability) performed at Invitae indicates that this missense variant is not expected to disrupt EEF1A2 protein function with a negative predictive value of 80%. In summary, the available evidence is currently insufficient to determine the role of this variant in disease. Therefore, it has been classified as a Variant of Uncertain Significance.